The following is an entry in ClinVar:

ClinVar aggregate classification (germline): Uncertain significance (1 of 4 stars; one submission).

Allele frequency attached by ClinVar (database versions not stated): gnomAD 0.00001.
gnomAD v4.1: 10 of 1,588,108 alleles (0.00063%); highest among the groups gnomAD compares: Admixed American, 0.0072%; no homozygotes.

Submission:

Labcorp Genetics (formerly Invitae), Labcorp
Classification: Uncertain significance. Last evaluated: 2021-05-30. Review status: criteria provided, single submitter. Criteria: Invitae Variant Classification Sherloc (09022015). Collection method: clinical testing. Allele origin: germline.
Comment: This sequence change replaces threonine with alanine at codon 1630 of the MYH14 protein (p.Thr1630Ala). The threonine residue is weakly conserved and there is a small physicochemical difference between threonine and alanine. In summary, the available evidence is currently insufficient to determine the role of this variant in disease. Therefore, it has been classified as a Variant of Uncertain Significance. Algorithms developed to predict the effect of missense changes on protein structure and function output the following: SIFT: "Tolerated"; PolyPhen-2: "Benign"; Align-GVGD: "Class C0". The alanine amino acid residue is found in multiple mammalian species, suggesting that this missense change does not adversely affect protein function. These predictions have not been confirmed by published functional studies and their clinical significance is uncertain. This variant has not been reported in the literature in individuals with MYH14-related conditions. This variant is not present in population databases (ExAC no frequency).

NM_001145809.2(MYH14):c.5011A>G (p.Thr1671Ala)

Gene: MYH14 (myosin heavy chain 14; plus strand). Cytogenetic location: 19q13.33.
Variant type: single nucleotide variant.
Coding change: c.5011A>G on transcript NM_001145809.2 (MANE Select); coding-DNA position 5011, A replaced by G.
Protein change: p.Thr1671Ala; replaces threonine 1671 with alanine.
Molecular consequence: missense variant.
Genome position (GRCh38, 1-based): chr19:50,290,932, A>G. VCF-style: chr19-50290932-A-G. GRCh37 (hg19) VCF-style: chr19-50794189-A-G.
Other names: c.4912A>G, p.Thr1638Ala (NM_001077186.2); c.4888A>G, p.Thr1630Ala (NM_024729.4); short protein forms T1638A, T1671A, T1630A.
Identifiers: ClinVar variation 1356218 (VCV001356218.8), dbSNP rs1389680083, ClinGen allele CA406961707.
Genomic context (GRCh38, chr19:50,290,932, plus strand): 5'-TGACCTCCTCTCCAGCTGAGAGATGCAGAGGTGGAGCGGGATGAGGAGCGGAAGCAGCGC[A>G]CTCTGGCCGTGGCTGCCCGCAAGAAGCTGGAGGGAGAGCTGGAGGAGCTGAAGGCTCAGA-3'
Protein context (NP_001139281.1, residues 1661-1681): VERDEERKQR[Thr1671Ala]LAVAARKKLE